The following is an entry in ClinVar:

NM_018124.4(RFWD3):c.1459A>T (p.Met487Leu)

Gene: RFWD3 (ring finger and WD repeat domain 3; minus strand). Cytogenetic location: 16q23.1.
Variant type: single nucleotide variant.
Coding change: c.1459A>T on transcript NM_018124.4 (MANE Select); coding-DNA position 1459, A replaced by T.
Protein change: p.Met487Leu; replaces methionine 487 with leucine.
Molecular consequence: missense variant.
Genome position (GRCh38, 1-based): chr16:74,632,641, T>A on the plus strand (A>T on the coding strand, the complement: RFWD3 is on the minus strand). VCF-style: chr16-74632641-T-A. GRCh37 (hg19) VCF-style: chr16-74666539-T-A.
Other names: c.1459A>T, p.Met487Leu (NM_001370534.1, NM_001370535.1, NM_001370536.1); c.625A>T, p.Met209Leu (NM_001370537.1, NM_001370539.1, NM_001370540.1 and 2 more transcripts); short protein forms M209L, M487L.
Identifiers: ClinVar variation 4808678 (VCV004808678.1).

ClinVar aggregate classification (germline): Uncertain significance (1 of 4 stars; one submission).

gnomAD v4.1: 15 of 1,614,030 alleles (0.00093%); highest among the groups gnomAD compares: Non-Finnish European, 0.0013%; no homozygotes.

Submission:

Labcorp Genetics (formerly Invitae), Labcorp
Classification: Uncertain significance. Last evaluated: 2025-06-03. Review status: criteria provided, single submitter. Criteria: Invitae Variant Classification Sherloc (09022015). Collection method: clinical testing. Allele origin: germline.
Comment: This sequence change replaces methionine, which is neutral and non-polar, with leucine, which is neutral and non-polar, at codon 487 of the RFWD3 protein (p.Met487Leu). This variant is present in population databases (rs202130447, gnomAD 0.0009%). This variant has not been reported in the literature in individuals affected with RFWD3-related conditions. An algorithm developed to predict the effect of missense changes on protein structure and function (PolyPhen-2) suggests that this variant is likely to be tolerated. In summary, the available evidence is currently insufficient to determine the role of this variant in disease. Therefore, it has been classified as a Variant of Uncertain Significance.